The following is an entry in ClinVar:

ClinVar aggregate classification (germline): Uncertain significance. Review status: criteria provided, multiple submitters, no conflicts (2 of 4 stars). 2 submissions from 2 submitters: Uncertain significance (2). Last evaluated 2025-06-23.

Conditions:
Long QT syndrome (LQTS). Identifiers: MedGen C0023976, MeSH D008133, MONDO:0002442. Disease mechanism: loss of function. Inheritance: Various modes of inheritance.

Allele frequency attached by ClinVar (database versions not stated): gnomAD exomes below 0.00001.
gnomAD v4.1: 1 of 1,614,086 alleles (0.000062%); highest among the groups gnomAD compares: Non-Finnish European, 0.000085%; no homozygotes.

Submissions (2):

GeneDx
Classification: Uncertain significance. Last evaluated: 2025-06-23. Review status: criteria provided, single submitter. Criteria: GeneDx Variant Classification Process June 2021. Collection method: clinical testing. Allele origin: germline. Affected: yes.
Comment: Not observed at significant frequency in large population cohorts (gnomAD); In silico analysis supports that this missense variant has a deleterious effect on protein structure/function; Has not been previously published as pathogenic or benign to our knowledge

Labcorp Genetics (formerly Invitae), Labcorp
Classification: Uncertain significance for Long QT syndrome. Last evaluated: 2022-03-22. Review status: criteria provided, single submitter. Criteria: Invitae Variant Classification Sherloc (09022015). Collection method: clinical testing. Allele origin: germline.
Comment: In summary, the available evidence is currently insufficient to determine the role of this variant in disease. Therefore, it has been classified as a Variant of Uncertain Significance. This sequence change replaces glycine, which is neutral and non-polar, with serine, which is neutral and polar, at codon 342 of the CACNA1C protein (p.Gly342Ser). This variant is not present in population databases (gnomAD no frequency). This variant has not been reported in the literature in individuals affected with CACNA1C-related conditions. ClinVar contains an entry for this variant (Variation ID: 661978). Algorithms developed to predict the effect of missense changes on protein structure and function are either unavailable or do not agree on the potential impact of this missense change (SIFT: "Deleterious"; PolyPhen-2: "Probably Damaging"; Align-GVGD: "Class C0").

NM_000719.7(CACNA1C):c.1024G>A (p.Gly342Ser)

Gene: CACNA1C (calcium voltage-gated channel subunit alpha1 C; plus strand). Cytogenetic location: 12p13.33.
Variant type: single nucleotide variant.
Coding change: c.1024G>A on transcript NM_000719.7 (MANE Select); coding-DNA position 1024, G replaced by A.
Protein change: p.Gly342Ser; replaces glycine 342 with serine.
Molecular consequence: missense variant.
Genome position (GRCh38, 1-based): chr12:2,493,297, G>A. VCF-style: chr12-2493297-G-A. GRCh37 (hg19) VCF-style: chr12-2602463-G-A.
Other names: c.1024G>A, p.Gly342Ser (NM_001129827.2, NM_001129829.2, NM_001129830.3 and 18 more transcripts); c.1015G>A, p.Gly339Ser (NM_001129844.2); short protein forms G342S, G339S.
Identifiers: ClinVar variation 661978 (VCV000661978.10), dbSNP rs1597985542, ClinGen allele CA383369853.